The following is an entry in ClinVar:

NM_001036.6(RYR3):c.4396-10C>T

Gene: RYR3 (ryanodine receptor 3; plus strand). Cytogenetic location: 15q14.
Variant type: single nucleotide variant.
Coding change: c.4396-10C>T on transcript NM_001036.6 (MANE Select); 10 bases into the intron before coding-DNA position 4396, C replaced by T.
Molecular consequence: intron variant.
Genome position (GRCh38, 1-based): chr15:33,660,187, C>T. VCF-style: chr15-33660187-C-T. GRCh37 (hg19) VCF-style: chr15-33952388-C-T.
Other names: c.4396-10C>T (NM_001243996.4).
Identifiers: ClinVar variation 461912 (VCV000461912.13), dbSNP rs78825800, ClinGen allele CA7459001.
Genomic context (GRCh38, chr15:33,660,187, plus strand): 5'-GTTAAAATGTCTGGGTGCGTCATCCAGCAACTGTGTGTTTCTTTTCCAATGCCTTTCCCA[C>T]GTGCCCCAGAACGCAATGCCCCTGTCAGCGGCCATATTCAGGAGTGAAGAGAAGAACCCA-3'

ClinVar aggregate classification (germline): Benign. Review status: criteria provided, multiple submitters, no conflicts (2 of 4 stars). 3 submissions from 3 submitters: Benign (2). 1 of the submissions does not count toward it. Last evaluated 2025-10-22.

Conditions:
RYR3-related disorder. Also called: RYR3-related condition.
Epileptic encephalopathy. Identifiers: MedGen C0543888, HP:0200134.

Allele frequency attached by ClinVar (database versions not stated): gnomAD exomes 0.00602 and 0.02610; ESP Exome Variant Server 0.00853; ExAC 0.01409; gnomAD 0.01547 and 0.01641; TOPMed 0.02176; 1000 Genomes Project 0.03295; 1000 Genomes Project 30x 0.03310.
gnomAD v4.1: 10,954 of 1,540,164 alleles (0.71%); highest among the groups gnomAD compares: Admixed American, 9.3%; 401 homozygotes.

Submissions (3):

Labcorp Genetics (formerly Invitae), Labcorp
Classification: Benign for Epileptic encephalopathy. Last evaluated: 2025-10-22. Review status: criteria provided, single submitter. Criteria: Invitae Variant Classification Sherloc (09022015). Collection method: clinical testing. Allele origin: germline.

Breakthrough Genomics
Classification: Benign. Review status: criteria provided, single submitter. Criteria: ACMG Guidelines, 2015. Collection method: not provided. Allele origin: germline. Inheritance: Unknown mechanism. Affected: yes.

PreventionGenetics, part of Exact Sciences
Classification: Benign for RYR3-related condition. Last evaluated: 2019-07-29. Review status: no assertion criteria provided. Collection method: clinical testing. Allele origin: germline. Not counted in ClinVar's aggregate classification.
Comment: This variant is classified as benign based on ACMG/AMP sequence variant interpretation guidelines (Richards et al. 2015 PMID: 25741868, with internal and published modifications).